The following is an entry in ClinVar:

NC_000020.10:g.(?_30226821)_(30232707_?)del

Gene: COX4I2 (cytochrome c oxidase subunit 4I2; plus strand). Cytogenetic location: 20q11.21.
Variant type: Deletion.
Identifiers: ClinVar variation 3248355 (VCV003248355.1).

ClinVar aggregate classification (germline): Uncertain significance (1 of 4 stars; one submission).

Submission:

Labcorp Genetics (formerly Invitae), Labcorp
Classification: Uncertain significance. Last evaluated: 2023-10-05. Review status: criteria provided, single submitter. Criteria: Invitae Variant Classification Sherloc (09022015). Collection method: clinical testing. Allele origin: unknown.
Comment: A gross deletion of the genomic region encompassing the full coding sequence of the COX4I2 gene has been identified. The current clinical and genetic evidence is not sufficient to establish whether loss-of-function variants in COX4I2 cause disease. The boundaries of this event are unknown as they extend beyond the assayed region for this gene and therefore may encompass additional genes. This variant has not been reported in the literature in individuals affected with COX4I2-related conditions. Experimental studies and prediction algorithms are not available or were not evaluated, and the functional significance of this variant is currently unknown. In summary, the available evidence is currently insufficient to determine the role of this variant in disease. Therefore, it has been classified as a Variant of Uncertain Significance.